The following is an entry in ClinVar:

ClinVar aggregate classification (germline): Uncertain significance (1 of 4 stars; one submission).

Conditions:
Cranioectodermal dysplasia 1 (CED1). Also called: LEVIN SYNDROME I. Identifiers: Orphanet 1515, MedGen C0432235, MONDO:0021093, OMIM 218330.

Allele frequency attached by ClinVar (database versions not stated): gnomAD exomes 0.00001.
gnomAD v4.1: 3 of 1,614,156 alleles (0.00019%); highest among the groups gnomAD compares: East Asian, 0.0067%; no homozygotes.

Submission:

MVZ Medizinische Genetik Mainz
Classification: Uncertain significance for Cranioectodermal dysplasia 1. Last evaluated: 2022-08-16. Review status: criteria provided, single submitter. Criteria: UK Practice Guidelines For Variant Classification V4 01 2020. Collection method: clinical testing. Allele origin: germline. Inheritance: Autosomal recessive inheritance. Affected: yes. Observed: 1 variant allele.
Comment: ACMG Criteria: PM2_SUP, PP3 (ACMG Version 4); Compound Heterozygote

NM_052989.3(IFT122):c.932G>A (p.Gly311Glu)

Gene: IFT122 (intraflagellar transport 122; plus strand). Cytogenetic location: 3q21.3.
Variant type: single nucleotide variant.
Coding change: c.932G>A on transcript NM_052989.3 (MANE Select); coding-DNA position 932, G replaced by A.
Protein change: p.Gly311Glu; replaces glycine 311 with glutamic acid.
Molecular consequence: missense variant.
Genome position (GRCh38, 1-based): chr3:129,476,430, G>A. VCF-style: chr3-129476430-G-A. GRCh37 (hg19) VCF-style: chr3-129195273-G-A.
Other names: c.908G>A, p.Gly303Glu (NM_001280541.2); c.482G>A, p.Gly161Glu (NM_001280545.2); c.305G>A, p.Gly102Glu (NM_001280546.2); c.932G>A, p.Gly311Glu (NM_001410808.1, NM_001410809.1); c.755G>A, p.Gly252Glu (NM_001410810.1, NM_001410811.1, NM_001410813.1 and 1 more transcripts); c.599G>A, p.Gly200Glu (NM_001410815.1, NM_001410817.1, NM_052990.3); c.1085G>A, p.Gly362Glu (NM_052985.4); short protein forms G102E, G161E, G200E, G252E, G303E, G311E, G362E.
Identifiers: ClinVar variation 3066250 (VCV003066250.1), dbSNP rs2077958483, ClinGen allele CA354472744.